The following is an entry in ClinVar:

ClinVar aggregate classification (germline): Uncertain significance. Review status: criteria provided, multiple submitters, no conflicts (2 of 4 stars). 2 submissions from 2 submitters: Uncertain significance (2). Last evaluated 2026-03-28.

Conditions:
Hereditary cancer-predisposing syndrome. Also called: Hereditary Cancer Syndrome; Hereditary neoplastic syndrome; Neoplastic Syndromes, Hereditary; Tumor predisposition. Identifiers: Orphanet 140162, MedGen C0027672, MeSH D009386, MONDO:0015356.
Fanconi anemia complementation group J. Also called: BRIP1-Related Fanconi Anemia. Identifiers: Orphanet 84, MedGen C1836860, MONDO:0012187, OMIM 609054.
Familial cancer of breast. Also called: hereditary breast carcinoma; BREAST CANCER, FAMILIAL; Hereditary breast cancer. Identifiers: Orphanet 227535, MedGen C0346153, MONDO:0016419, OMIM 114480. Disease mechanism: loss of function.

gnomAD v4.1: 1 of 1,613,774 alleles (0.000062%); highest among the groups gnomAD compares: Non-Finnish European, 0.000085%; no homozygotes.

Submissions (2):

Ambry Genetics
Classification: Uncertain significance for Hereditary cancer-predisposing syndrome. Last evaluated: 2026-03-28. Review status: criteria provided, single submitter. Criteria: Ambry Variant Classification Scheme 2023. Collection method: clinical testing. Allele origin: germline.
Comment: The p.N716H variant (also known as c.2146A>C), located in coding exon 14 of the BRIP1 gene, results from an A to C substitution at nucleotide position 2146. The asparagine at codon 716 is replaced by histidine, an amino acid with similar properties. This amino acid position is conserved. In addition, this alteration is predicted to be tolerated by in silico analysis. Based on the available evidence, the clinical significance of this variant remains unclear.

Labcorp Genetics (formerly Invitae), Labcorp
Classification: Uncertain significance for Familial cancer of breast; Fanconi anemia complementation group J. Last evaluated: 2024-08-04. Review status: criteria provided, single submitter. Criteria: Invitae Variant Classification Sherloc (09022015). Collection method: clinical testing. Allele origin: germline.
Comment: This sequence change replaces asparagine, which is neutral and polar, with histidine, which is basic and polar, at codon 716 of the BRIP1 protein (p.Asn716His). This variant is not present in population databases (gnomAD no frequency). This variant has not been reported in the literature in individuals affected with BRIP1-related conditions. Advanced modeling of protein sequence and biophysical properties (such as structural, functional, and spatial information, amino acid conservation, physicochemical variation, residue mobility, and thermodynamic stability) performed at Invitae indicates that this missense variant is not expected to disrupt BRIP1 protein function with a negative predictive value of 80%. In summary, the available evidence is currently insufficient to determine the role of this variant in disease. Therefore, it has been classified as a Variant of Uncertain Significance.

NM_032043.3(BRIP1):c.2146A>C (p.Asn716His)

Gene: BRIP1 (BRCA1 interacting DNA helicase 1; minus strand). Cytogenetic location: 17q23.2.
Variant type: single nucleotide variant.
Coding change: c.2146A>C on transcript NM_032043.3 (MANE Select); coding-DNA position 2146, A replaced by C.
Protein change: p.Asn716His; replaces asparagine 716 with histidine.
Molecular consequence: missense variant.
Genome position (GRCh38, 1-based): chr17:61,744,543, T>G on the plus strand (A>C on the coding strand, the complement: BRIP1 is on the minus strand). VCF-style: chr17-61744543-T-G. GRCh37 (hg19) VCF-style: chr17-59821904-T-G.
Other names: short protein forms N716H.
Identifiers: ClinVar variation 3750198 (VCV003750198.3).